The following is an entry in ClinVar:

NM_000271.5(NPC1):c.912C>T (p.Pro304=)

Gene: NPC1 (NPC intracellular cholesterol transporter 1; minus strand). Cytogenetic location: 18q11.2.
Variant type: single nucleotide variant.
Coding change: c.912C>T on transcript NM_000271.5 (MANE Select); coding-DNA position 912, C replaced by T.
Protein change: p.Pro304=; no amino-acid change (proline 304 retained).
Molecular consequence: synonymous variant.
Genome position (GRCh38, 1-based): chr18:23,557,160, G>A on the plus strand (C>T on the coding strand, the complement: NPC1 is on the minus strand). VCF-style: chr18-23557160-G-A. GRCh37 (hg19) VCF-style: chr18-21137124-G-A.
Other names: c.912C>T (NM_000271.4).
Identifiers: ClinVar variation 1105306 (VCV001105306.11), dbSNP rs140894981, ClinGen allele CA8913596.

ClinVar aggregate classification (germline): Likely benign. Review status: criteria provided, single submitter (1 of 4 stars). 2 submissions from 2 submitters: Likely benign (1). 1 of the submissions does not count toward it. Last evaluated 2025-11-03.

Conditions:
Niemann-Pick disease, type C1. Also called: NIEMANN-PICK DISEASE, VARIANT TYPE C1; NEUROVISCERAL STORAGE DISEASE WITH VERTICAL SUPRANUCLEAR OPHTHALMOPLEGIA; NIEMANN-PICK DISEASE WITH CHOLESTEROL ESTERIFICATION BLOCK; NIEMANN-PICK DISEASE WITHOUT SPHINGOMYELINASE DEFICIENCY; NIEMANN-PICK DISEASE, CHRONIC NEURONOPATHIC FORM. Identifiers: Orphanet 646, MedGen C3179455, MONDO:0009757, OMIM 257220.
NPC1-related disorder. Also called: NPC1-related condition.

Allele frequency attached by ClinVar (database versions not stated): gnomAD exomes 0.00001 and 0.00004; ExAC 0.00007; gnomAD 0.00007; TOPMed 0.00012; ESP Exome Variant Server 0.00023; 1000 Genomes Project 30x 0.00031; 1000 Genomes Project 0.00040.
gnomAD v4.1: 32 of 1,613,634 alleles (0.002%); highest among the groups gnomAD compares: African/African-American, 0.025%; no homozygotes.

Submissions (2):

Labcorp Genetics (formerly Invitae), Labcorp
Classification: Likely benign for Niemann-Pick disease, type C1. Last evaluated: 2025-11-03. Review status: criteria provided, single submitter. Criteria: Invitae Variant Classification Sherloc (09022015). Collection method: clinical testing. Allele origin: germline.

PreventionGenetics, part of Exact Sciences
Classification: Likely benign for NPC1-related condition. Last evaluated: 2021-06-18. Review status: no assertion criteria provided. Collection method: clinical testing. Allele origin: germline. Not counted in ClinVar's aggregate classification.
Comment: This variant is classified as likely benign based on ACMG/AMP sequence variant interpretation guidelines (Richards et al. 2015 PMID: 25741868, with internal and published modifications).